The following is an entry in ClinVar:

NM_000052.7(ATP7A):c.1823A>G (p.Tyr608Cys)

Gene: ATP7A (ATPase copper transporting alpha; plus strand). Cytogenetic location: Xq21.1.
Variant type: single nucleotide variant.
Coding change: c.1823A>G on transcript NM_000052.7 (MANE Select); coding-DNA position 1823, A replaced by G.
Protein change: p.Tyr608Cys; replaces tyrosine 608 with cysteine.
Molecular consequence: missense variant.
Genome position (GRCh38, 1-based): chrX:78,009,217, A>G. VCF-style: chrX-78009217-A-G. GRCh37 (hg19) VCF-style: chrX-77264714-A-G.
Other names: c.1823A>G, p.Tyr608Cys (NM_001282224.2); short protein forms Y608C.
Identifiers: ClinVar variation 92381 (VCV000092381.62), dbSNP rs61742278, ClinGen allele CA145661.

ClinVar aggregate classification (germline): Benign/Likely benign. Review status: criteria provided, multiple submitters, no conflicts (2 of 4 stars). 8 submissions from 8 submitters: Benign (5); Likely benign (2). 1 of the submissions does not count toward it. Last evaluated 2026-02-02.

Conditions:
Inborn genetic diseases. Identifiers: MedGen C0950123, MeSH D030342.
Ehlers-Danlos syndrome (EDS). Identifiers: Orphanet 98249, MedGen C0013720, MONDO:0020066.
Cutis laxa, X-linked (OHS). Also called: EDS IX; Occipital horn syndrome. Identifiers: Orphanet 198, MedGen C0268353, MONDO:0010572, OMIM 304150.
X-linked distal spinal muscular atrophy type 3. Also called: ATP7A-Related Distal Motor Neuropathy; NEURONOPATHY, DISTAL HEREDITARY MOTOR, X-LINKED; NEUROPATHY, DISTAL HEREDITARY MOTOR, X-LINKED; SPINAL MUSCULAR ATROPHY, DISTAL, X-LINKED RECESSIVE. Identifiers: Orphanet 139557, MedGen C1845359, MONDO:0010338, OMIM 300489.
Menkes kinky-hair syndrome (MNK). Also called: Copper transport disease; Menkes Disease; Classic Menkes Disease. Identifiers: Orphanet 565, MedGen C0022716, MONDO:0010651, OMIM 309400.

Allele frequency attached by ClinVar (database versions not stated): ExAC 0.00139; gnomAD 0.00380 and 0.00359; ESP Exome Variant Server 0.00417; gnomAD exomes 0.00105 and 0.00034; TOPMed 0.00421; 1000 Genomes Project 30x 0.00541; 1000 Genomes Project 0.00530.
gnomAD v4.1: 809 of 1,208,330 alleles (0.067%); highest among the groups gnomAD compares: African/African-American, 1.2%; 2 homozygotes.

Submissions (8):

Labcorp Genetics (formerly Invitae), Labcorp
Classification: Benign for X-linked distal spinal muscular atrophy type 3; Cutis laxa, X-linked; Menkes kinky-hair syndrome. Last evaluated: 2026-02-02. Review status: criteria provided, single submitter. Criteria: Invitae Variant Classification Sherloc (09022015). Collection method: clinical testing. Allele origin: germline.

Blueprint Genetics
Classification: Likely benign. Last evaluated: 2024-07-18. Review status: criteria provided, single submitter. Criteria: ACMG Guidelines, 2015. Collection method: clinical testing. Allele origin: germline.

Mayo Clinic Laboratories, Mayo Clinic
Classification: Benign. Last evaluated: 2022-03-29. Review status: criteria provided, single submitter. Criteria: ACMG Guidelines, 2015. Collection method: clinical testing. Allele origin: germline. Observed: 4 variant alleles.
Comment: BS1, BS2, PP3

Genome Diagnostics Laboratory, The Hospital for Sick Children
Classification: Likely benign for Ehlers-Danlos syndrome. Last evaluated: 2021-11-16. Review status: criteria provided, single submitter. Criteria: ACMG Guidelines, 2015. Collection method: clinical testing. Allele origin: germline.

GeneDx
Classification: Benign. Last evaluated: 2018-03-06. Review status: criteria provided, single submitter. Criteria: GeneDx Variant Classification (06012015). Collection method: clinical testing. Allele origin: germline. Affected: yes.
Comment: This variant is considered likely benign or benign based on one or more of the following criteria: it is a conservative change, it occurs at a poorly conserved position in the protein, it is predicted to be benign by multiple in silico algorithms, and/or has population frequency not consistent with disease.

Ambry Genetics
Classification: Benign for Inborn genetic diseases. Last evaluated: 2016-07-26. Review status: criteria provided, single submitter. Criteria: Ambry Variant Classification Scheme 2023. Collection method: clinical testing. Allele origin: germline.

Eurofins Ntd Llc (ga)
Classification: Benign. Last evaluated: 2013-01-15. Review status: criteria provided, single submitter. Criteria: EGL Classification Definitions 2015. Collection method: clinical testing. Allele origin: germline. Observed: 1 variant allele, 1 hemizygote.

Natera, Inc.
Classification: Benign for Distal spinal muscular atrophy, X-linked 3; Cutis laxa, X-linked; Menkes kinky-hair syndrome. Last evaluated: 2020-09-16. Review status: no assertion criteria provided. Collection method: clinical testing. Allele origin: germline. Not counted in ClinVar's aggregate classification.